The following is an entry in ClinVar:

ClinVar aggregate classification (germline): Likely pathogenic (1 of 4 stars; one submission).

Conditions:
Primary ciliary dyskinesia 3. Identifiers: Orphanet 244, MedGen C1837618, MONDO:0012085, OMIM 608644.

Submission:

Myriad Genetics, Inc.
Classification: Likely pathogenic for Primary ciliary dyskinesia 3. Last evaluated: 2022-02-12. Review status: criteria provided, single submitter. Criteria: Myriad Women's Health Autosomal Recessive and X-Linked Classification Criteria (2021). Collection method: clinical testing. Allele origin: unknown.
Comment: NM_001369.2(DNAH5):c.6439_6440delAA(K2147Afs*5) is expected to be pathogenic in the context of DNAH5-related primary ciliary dyskinesia. This variant is predicted to lead to an abnormal or absent protein product due to the creation of a premature termination codon in DNAH5, a gene where loss-of-function variants are known to be pathogenic. Please note: this variant was assessed in the context of healthy population screening.

NM_001369.3(DNAH5):c.6439_6440del (p.Lys2147fs)

Gene: DNAH5 (dynein axonemal heavy chain 5; minus strand). Cytogenetic location: 5p15.2.
Variant type: Deletion.
Coding change: c.6439_6440del on transcript NM_001369.3 (MANE Select); coding-DNA positions 6439 to 6440, 2 bases deleted (AA; older notation c.6439_6440delAA).
Protein change: p.Lys2147fs; shifts the reading frame from lysine 2147.
Molecular consequence: frameshift variant.
Genome position (GRCh38, 1-based): chr5:13,829,514-13,829,515, TT deleted on the plus strand (AA on the coding strand, the reverse complement: DNAH5 is on the minus strand). VCF-style (leftmost placement, unchanged base first): chr5-13829513-CTT-C. GRCh37 (hg19) VCF-style: chr5-13829622-CTT-C.
Other names: short protein forms K2147fs.
Identifiers: ClinVar variation 1724376 (VCV001724376.2), dbSNP rs2546875240, ClinGen allele CA2580072198.